The following is an entry in ClinVar:

NM_004329.3(BMPR1A):c.530+8G>A

Gene: BMPR1A (bone morphogenetic protein receptor type 1A; plus strand). Cytogenetic location: 10q23.2.
Variant type: single nucleotide variant.
Coding change: c.530+8G>A on transcript NM_004329.3 (MANE Select); 8 bases into the intron after coding-DNA position 530, G replaced by A.
Molecular consequence: intron variant.
Genome position (GRCh38, 1-based): chr10:86,900,134, G>A. VCF-style: chr10-86900134-G-A. GRCh37 (hg19) VCF-style: chr10-88659891-G-A.
Identifiers: ClinVar variation 1133030 (VCV001133030.10), dbSNP rs964724409, ClinGen allele CA211191080.

ClinVar aggregate classification (germline): Likely benign. Review status: criteria provided, multiple submitters, no conflicts (2 of 4 stars). 2 submissions from 2 submitters: Likely benign (2). Last evaluated 2024-10-15.

Conditions:
Juvenile polyposis syndrome (JPS). Identifiers: Orphanet 2929, MedGen C0345893, MONDO:0017380, OMIM 174900.

Allele frequency attached by ClinVar (database versions not stated): gnomAD exomes below 0.00001.
gnomAD v4.1: 1 of 1,612,572 alleles (0.000062%); highest among the groups gnomAD compares: Non-Finnish European, 0.000085%; no homozygotes.

Submissions (2):

Labcorp Genetics (formerly Invitae), Labcorp
Classification: Likely benign for Juvenile polyposis syndrome. Last evaluated: 2024-10-15. Review status: criteria provided, single submitter. Criteria: Invitae Variant Classification Sherloc (09022015). Collection method: clinical testing. Allele origin: germline.

Myriad Genetics, Inc.
Classification: Likely benign for Juvenile polyposis syndrome. Last evaluated: 2024-08-01. Review status: criteria provided, single submitter. Criteria: Myriad Autosomal Dominant, Autosomal Recessive and X-Linked Classification Criteria (2023). Collection method: clinical testing. Allele origin: unknown.
Comment: This variant is considered likely benign. This variant is intronic and is not expected to impact mRNA splicing.